The following is an entry in ClinVar:

ClinVar aggregate classification (germline): Uncertain significance. Review status: criteria provided, multiple submitters, no conflicts (2 of 4 stars). 2 submissions from 2 submitters: Uncertain significance (2). Last evaluated 2026-04-13.

Conditions:
CUL3-related disorder. Also called: CUL3-related disorders; CUL3-related condition.

Submissions (2):

PreventionGenetics, part of Exact Sciences
Classification: Uncertain significance for CUL3-related condition. Last evaluated: 2026-04-13. Review status: criteria provided, single submitter. Criteria: ACMG Guidelines, 2015. Collection method: clinical testing. Allele origin: germline.
Comment: The CUL3 c.2298T>G variant is predicted to result in premature protein termination (p.Tyr766*). Of note, this nonsense is predicted to only truncate the last three amino acids from the C-terminal end and may escape nonsense mediated decay (Lindeboom et al. 2016. PubMed ID:27618451). To our knowledge, this variant has not been reported in the literature or in a large population database (gnomAD), indicating this variant is rare. At this time, the clinical significance of this variant is uncertain due to the absence of conclusive functional and genetic evidence.

GeneDx
Classification: Uncertain significance. Last evaluated: 2023-10-31. Review status: criteria provided, single submitter. Criteria: GeneDx Variant Classification Process June 2021. Collection method: clinical testing. Allele origin: germline. Affected: yes.
Comment: Not observed at significant frequency in large population cohorts (gnomAD); Nonsense variant predicted to result in protein truncation as the last 3 amino acids are lost, although loss-of-function variants have not been reported downstream of this position in the protein; Has not been previously published as pathogenic or benign to our knowledge

NM_003590.5(CUL3):c.2298T>G (p.Tyr766Ter)

Gene: CUL3 (cullin 3; minus strand). Cytogenetic location: 2q36.2.
Variant type: single nucleotide variant.
Coding change: c.2298T>G on transcript NM_003590.5 (MANE Select); coding-DNA position 2298, T replaced by G.
Protein change: p.Tyr766Ter; replaces tyrosine 766 with a stop codon.
Molecular consequence: nonsense.
Genome position (GRCh38, 1-based): chr2:224,474,254, A>C on the plus strand (T>G on the coding strand, the complement: CUL3 is on the minus strand). VCF-style: chr2-224474254-A-C. GRCh37 (hg19) VCF-style: chr2-225338971-A-C.
Other names: c.2100T>G, p.Tyr700Ter (NM_001257197.2); c.2316T>G, p.Tyr772Ter (NM_001257198.2); short protein forms Y700*, Y766*, Y772*.
Identifiers: ClinVar variation 3363379 (VCV003363379.2).